The following is an entry in ClinVar:

ClinVar aggregate classification (germline): Benign (1 of 4 stars; one submission).

Conditions:
Collagen 6-related myopathy. Identifiers: MedGen CN117976, MONDO:0100225.

Allele frequency attached by ClinVar (database versions not stated): gnomAD 0.00001; gnomAD exomes 0.00001; ExAC 0.00002.
gnomAD v4.1: 25 of 1,611,342 alleles (0.0016%); highest among the groups gnomAD compares: East Asian, 0.056%; no homozygotes.

Submission:

Illumina Laboratory Services, Illumina
Classification: Benign for Collagen VI-related myopathy. Last evaluated: 2018-01-12. Review status: criteria provided, single submitter. Criteria: ICSL Variant Classification Criteria 13 December 2019. Collection method: clinical testing. Allele origin: germline.
Comment: This variant was observed in the ICSL laboratory as part of a predisposition screen in an ostensibly healthy population. It had not been previously curated by ICSL or reported in the Human Gene Mutation Database (HGMD: prior to June 1st, 2018), and was therefore a candidate for classification through an automated scoring system. Utilizing variant allele frequency, disease prevalence and penetrance estimates, and inheritance mode, an automated score was calculated to assess if this variant is too frequent to cause the disease. Based on the score and internal cut-off values, a variant classified as benign is not then subjected to further curation. The score for this variant resulted in a classification of benign for this disease.

NM_001848.3(COL6A1):c.1167A>C (p.Gly389=)

Gene: COL6A1 (collagen type VI alpha 1 chain; plus strand). Cytogenetic location: 21q22.3.
Variant type: single nucleotide variant.
Coding change: c.1167A>C on transcript NM_001848.3 (MANE Select); coding-DNA position 1167, A replaced by C.
Protein change: p.Gly389=; no amino-acid change (glycine 389 retained).
Molecular consequence: synonymous variant.
Genome position (GRCh38, 1-based): chr21:45,992,057, A>C. VCF-style: chr21-45992057-A-C. GRCh37 (hg19) VCF-style: chr21-47411971-A-C.
Identifiers: ClinVar variation 898665 (VCV000898665.4), dbSNP rs779909820, ClinGen allele CA10070126.